The following is an entry in ClinVar:

NM_001042492.3(NF1):c.3175G>A (p.Asp1059Asn)

Gene: NF1 (neurofibromin 1; plus strand). Cytogenetic location: 17q11.2.
Variant type: single nucleotide variant.
Coding change: c.3175G>A on transcript NM_001042492.3 (MANE Select); coding-DNA position 3175, G replaced by A.
Protein change: p.Asp1059Asn; replaces aspartic acid 1059 with asparagine.
Molecular consequence: missense variant.
Genome position (GRCh38, 1-based): chr17:31,230,903, G>A. VCF-style: chr17-31230903-G-A. GRCh37 (hg19) VCF-style: chr17-29557921-G-A.
Other names: c.3175G>A, p.Asp1059Asn (NM_000267.4); short protein forms D1059N.
Identifiers: ClinVar variation 1316572 (VCV001316572.5), dbSNP rs765164994, ClinGen allele CA398988190.
Genomic context (GRCh38, chr17:31,230,903, plus strand): 5'-AATAAGATGGTAGAATACCTGACAGACTGGGTTATGGGAACATCAAACCAAGCAGCAGAT[G>A]ATGATGTAAAATGTCTTACAAGGTAAAAAAAGAATGACCTTCAAGTATTAGTGGGTTTTA-3'
Protein context (NP_001035957.1, residues 1049-1069): VMGTSNQAAD[Asp1059Asn]DVKCLTRDLD

ClinVar aggregate classification (germline): Conflicting classifications of pathogenicity. Review status: criteria provided, conflicting classifications (1 of 4 stars). 3 submissions from 3 submitters: Uncertain significance (2); Likely benign (1). Last evaluated 2026-01-06.

Conditions:
Neurofibromatosis, type 1 (NF1). Also called: NEUROFIBROMATOSIS, TYPE I, SOMATIC; Peripheral type neurofibromatosis; Neurofibromatosis, type I; VON RECKLINGHAUSEN DISEASE. Identifiers: Orphanet 636, MedGen C0027831, MONDO:0018975, OMIM 162200. Disease mechanism: loss of function.
Hereditary cancer-predisposing syndrome. Also called: Neoplastic Syndromes, Hereditary; Hereditary Cancer Syndrome; Tumor predisposition; Hereditary neoplastic syndrome. Identifiers: Orphanet 140162, MedGen C0027672, MeSH D009386, MONDO:0015356.
Cardiovascular phenotype. Identifiers: MedGen CN230736.

Submissions (3):

Labcorp Genetics (formerly Invitae), Labcorp
Classification: Uncertain significance for Neurofibromatosis, type 1. Last evaluated: 2026-01-06. Review status: criteria provided, single submitter. Criteria: Invitae Variant Classification Sherloc (09022015). Collection method: clinical testing. Allele origin: germline.
Comment: This sequence change replaces aspartic acid, which is acidic and polar, with asparagine, which is neutral and polar, at codon 1059 of the NF1 protein (p.Asp1059Asn). This variant is not present in population databases (gnomAD no frequency). This variant has not been reported in the literature in individuals affected with NF1-related conditions. ClinVar contains an entry for this variant (Variation ID: 1316572). Invitae Evidence Modeling of protein sequence and biophysical properties (such as structural, functional, and spatial information, amino acid conservation, physicochemical variation, residue mobility, and thermodynamic stability) indicates that this missense variant is not expected to disrupt NF1 protein function with a negative predictive value of 95%. In summary, the available evidence is currently insufficient to determine the role of this variant in disease. Therefore, it has been classified as a Variant of Uncertain Significance.

Ambry Genetics
Classification: Likely benign for Cardiovascular phenotype; Hereditary cancer-predisposing syndrome. Last evaluated: 2024-02-28. Review status: criteria provided, single submitter. Criteria: Ambry Variant Classification Scheme 2023. Collection method: clinical testing. Allele origin: germline.

GeneDx
Classification: Uncertain significance. Last evaluated: 2021-02-08. Review status: criteria provided, single submitter. Criteria: GeneDx Variant Classification Process June 2021. Collection method: clinical testing. Allele origin: germline. Affected: yes.
Comment: Not observed in large population cohorts (Lek et al., 2016); In silico analysis supports that this missense variant does not alter protein structure/function; Observed in an individual with esophageal cancer (Greally 2019); This variant is associated with the following publications: (PMID: 31032108)